The following is an entry in ClinVar:

NM_130837.3(OPA1):c.*2993C>A

Gene: OPA1 (OPA1 mitochondrial dynamin like GTPase; plus strand). Cytogenetic location: 3q29.
Variant type: single nucleotide variant.
Coding change: c.*2993C>A on transcript NM_130837.3 (MANE Select); 2993 bases downstream of the stop codon, C replaced by A.
Molecular consequence: 3 prime UTR variant.
Genome position (GRCh38, 1-based): chr3:193,697,593, C>A. VCF-style: chr3-193697593-C-A. GRCh37 (hg19) VCF-style: chr3-193415382-C-A.
Other names: c.*2993C>A (NM_001354663.2, NM_001354664.2, NM_015560.3 and 6 more transcripts).
Identifiers: ClinVar variation 344521 (VCV000344521.5), dbSNP rs143991575, ClinGen allele CA10617911.

ClinVar aggregate classification (germline): Benign (1 of 4 stars; one submission).

Conditions:
Autosomal dominant optic atrophy classic form (OPA1). Also called: Optic Atrophy Type 1; KJER-TYPE OPTIC ATROPHY; OPTIC ATROPHY, JUVENILE. Identifiers: Orphanet 98673, MedGen C0338508, MONDO:0008134, OMIM 165500.

Allele frequency attached by ClinVar (database versions not stated): gnomAD 0.00094 and 0.00127; TOPMed 0.00100; 1000 Genomes Project 0.00499; 1000 Genomes Project 30x 0.00531.

Submission:

Illumina Laboratory Services, Illumina
Classification: Benign for Autosomal dominant optic atrophy classic form. Last evaluated: 2018-01-13. Review status: criteria provided, single submitter. Criteria: ICSL Variant Classification Criteria 13 December 2019. Collection method: clinical testing. Allele origin: germline.
Comment: This variant was observed in the ICSL laboratory as part of a predisposition screen in an ostensibly healthy population. It had not been previously curated by ICSL or reported in the Human Gene Mutation Database (HGMD: prior to June 1st, 2018), and was therefore a candidate for classification through an automated scoring system. Utilizing variant allele frequency, disease prevalence and penetrance estimates, and inheritance mode, an automated score was calculated to assess if this variant is too frequent to cause the disease. Based on the score and internal cut-off values, a variant classified as benign is not then subjected to further curation. The score for this variant resulted in a classification of benign for this disease.